The following is an entry in ClinVar:

ClinVar aggregate classification (germline): Uncertain significance. Review status: criteria provided, multiple submitters, no conflicts (2 of 4 stars). 3 submissions from 3 submitters: Uncertain significance (3). Last evaluated 2025-12-15.

Conditions:
Inborn genetic diseases. Identifiers: MedGen C0950123, MeSH D030342.
Joubert syndrome. Also called: Familial aplasia of the vermis; JOUBERT-BOLTSHAUSER SYNDROME. Identifiers: Orphanet 475, MedGen C5979921, MONDO:0018772.

Allele frequency attached by ClinVar (database versions not stated): gnomAD exomes below 0.00001 and 0.00001; 1000 Genomes Project 30x 0.00016; 1000 Genomes Project 0.00020; ExAC 0.00001; gnomAD 0.00001.

Submissions (3):

Ambry Genetics
Classification: Uncertain significance for Inborn genetic diseases. Last evaluated: 2025-12-15. Review status: criteria provided, single submitter. Criteria: Ambry Variant Classification Scheme 2023. Collection method: clinical testing. Allele origin: germline.

Blueprint Genetics
Classification: Uncertain significance. Last evaluated: 2024-08-12. Review status: criteria provided, single submitter. Criteria: ACMG Guidelines, 2015. Collection method: clinical testing. Allele origin: germline.

Labcorp Genetics (formerly Invitae), Labcorp
Classification: Uncertain significance for Joubert syndrome. Last evaluated: 2021-09-24. Review status: criteria provided, single submitter. Criteria: Invitae Variant Classification Sherloc (09022015). Collection method: clinical testing. Allele origin: germline.
Comment: This sequence change replaces proline with leucine at codon 88 of the TMEM216 protein (p.Pro88Leu). The proline residue is highly conserved and there is a moderate physicochemical difference between proline and leucine. This variant is present in population databases (rs565580030, ExAC 0.01%). This variant has not been reported in the literature in individuals with TMEM216-related conditions. Algorithms developed to predict the effect of missense changes on protein structure and function are either unavailable or do not agree on the potential impact of this missense change (SIFT: "Deleterious"; PolyPhen-2: "Benign"; Align-GVGD: "Class C65"). In summary, the available evidence is currently insufficient to determine the role of this variant in disease. Therefore, it has been classified as a Variant of Uncertain Significance.

NM_001173990.3(TMEM216):c.263C>T (p.Pro88Leu)

Gene: TMEM216 (transmembrane protein 216; plus strand). Cytogenetic location: 11q12.2.
Variant type: single nucleotide variant.
Coding change: c.263C>T on transcript NM_001173990.3 (MANE Select); coding-DNA position 263, C replaced by T.
Protein change: p.Pro88Leu; replaces proline 88 with leucine.
Molecular consequence: missense variant.
Genome position (GRCh38, 1-based): chr11:61,397,807, C>T. VCF-style: chr11-61397807-C-T. GRCh37 (hg19) VCF-style: chr11-61165279-C-T.
Other names: c.263C>T (NM_001173990.2); c.263C>T, p.Pro88Leu (NM_001173991.3); c.80C>T, p.Pro27Leu (NM_001330285.2, NM_016499.6); short protein forms P27L, P88L.
Identifiers: ClinVar variation 1430653 (VCV001430653.7), dbSNP rs565580030, ClinGen allele CA6034736.
Genomic context (GRCh38, chr11:61,397,807, plus strand): 5'-GATGACTCCATGGGCTGTGTCTGACAGGTACAAAGGGAAACCTCTGCCAGCGAAAGATGC[C>T]GCTCAGTATTAGCGTGGCCTTGACCTTCCCATCTGCCATGATGGCCTCCTATTACCTGCT-3'
Protein context (NP_001167461.1, residues 78-98): TKGNLCQRKM[Pro88Leu]LSISVALTFP